The following is an entry in ClinVar:

NM_080680.3(COL11A2):c.2311G>C (p.Glu771Gln)

Gene: COL11A2 (collagen type XI alpha 2 chain; minus strand). Cytogenetic location: 6p21.32.
Variant type: single nucleotide variant.
Coding change: c.2311G>C on transcript NM_080680.3 (MANE Select); coding-DNA position 2311, G replaced by C.
Protein change: p.Glu771Gln; replaces glutamic acid 771 with glutamine.
Molecular consequence: missense variant.
Genome position (GRCh38, 1-based): chr6:33,175,639, C>G on the plus strand (G>C on the coding strand, the complement: COL11A2 is on the minus strand). VCF-style: chr6-33175639-C-G. GRCh37 (hg19) VCF-style: chr6-33143416-C-G.
Other names: c.2131G>C, p.Glu711Gln (NM_001424108.1); c.1465G>C, p.Glu489Gln (NM_001424109.1); c.1285G>C, p.Glu429Gln (NM_001424110.1, NM_001424111.1); c.265G>C, p.Glu89Gln (NM_001424112.1); c.1990G>C, p.Glu664Gln (NM_080679.3); c.2053G>C, p.Glu685Gln (NM_080681.3); short protein forms E429Q, E489Q, E664Q, E685Q, E711Q, E771Q, E89Q.
Identifiers: ClinVar variation 4801322 (VCV004801322.1).
Genomic context (GRCh38, chr6:33,175,639, plus strand): 5'-CGCCCATGAGCCCTGGGGGCCCAGGGTCTCCAGTCGGTCCAGTGCGTCCCTTTGGCCCCT[C>G]AGGACCATCCTCTCCCCTGGAACCAGGGACTCCAACTTCGCCCTGTGTGAGAGGGAAGGA-3'
Protein context (NP_542411.2, residues 761-781): VPGSRGEDGP[Glu771Gln]GPKGRTGPTG

ClinVar aggregate classification (germline): Uncertain significance (1 of 4 stars; one submission).

Submission:

Labcorp Genetics (formerly Invitae), Labcorp
Classification: Uncertain significance. Last evaluated: 2026-01-01. Review status: criteria provided, single submitter. Criteria: Invitae Variant Classification Sherloc (09022015). Collection method: clinical testing. Allele origin: germline.
Comment: This sequence change replaces glutamic acid, which is acidic and polar, with glutamine, which is neutral and polar, at codon 771 of the COL11A2 protein (p.Glu771Gln). This variant is not present in population databases (gnomAD no frequency). This variant has not been reported in the literature in individuals affected with COL11A2-related conditions. Invitae Evidence Modeling of protein sequence and biophysical properties (such as structural, functional, and spatial information, amino acid conservation, physicochemical variation, residue mobility, and thermodynamic stability) indicates that this missense variant is not expected to disrupt COL11A2 protein function with a negative predictive value of 95%. In summary, the available evidence is currently insufficient to determine the role of this variant in disease. Therefore, it has been classified as a Variant of Uncertain Significance.